The following is an entry in ClinVar:

NM_000094.4(COL7A1):c.5774G>A (p.Gly1925Asp)

Gene: COL7A1 (collagen type VII alpha 1 chain; minus strand). Cytogenetic location: 3p21.31.
Variant type: single nucleotide variant.
Coding change: c.5774G>A on transcript NM_000094.4 (MANE Select); coding-DNA position 5774, G replaced by A.
Protein change: p.Gly1925Asp; replaces glycine 1925 with aspartic acid.
Molecular consequence: missense variant.
Genome position (GRCh38, 1-based): chr3:48,576,295, C>T on the plus strand (G>A on the coding strand, the complement: COL7A1 is on the minus strand). VCF-style: chr3-48576295-C-T. GRCh37 (hg19) VCF-style: chr3-48613728-C-T.
Other names: short protein forms G1925D.
Identifiers: ClinVar variation 3893300 (VCV003893300.2).
Genomic context (GRCh38, chr3:48,576,295, plus strand): 5'-CAAGCCTGGCTCACCGGCACACTTCCAGGCTCTCCTCGCAGGCCACGCTCTCCAGGGAGG[C>T]CCTGGAGAGATGAAGACAAACTGCTAGGAACCAGCCTATGGGTGTGCATGTGCACATGTG-3'
Protein context (NP_000085.1, residues 1915-1935): RGETGSKGEQ[Gly1925Asp]LPGERGLRGE

ClinVar aggregate classification (germline): Pathogenic/Likely pathogenic. Review status: criteria provided, multiple submitters, no conflicts (2 of 4 stars). 2 submissions from 2 submitters: Pathogenic (1); Likely pathogenic (1). Last evaluated 2024-10-23.

Conditions:
COL7A1-related disorder. Also called: COL7A1-related condition; COL7A1- related disorders.

Submissions (2):

GeneDx
Classification: Pathogenic. Last evaluated: 2024-10-23. Review status: criteria provided, single submitter. Criteria: GeneDx Variant Classification Process June 2021. Collection method: clinical testing. Allele origin: germline. Affected: yes.
Comment: Located in the highly conserved Gly-X-Y repeat of the collagenous domain; Glycine substitution variants in this region of the COLVII protein destabilize the collagen triple helix resulting in skin fragility due to poor anchoring of the basement membrane to the underlying dermis (PMID: 20301481); Not observed at significant frequency in large population cohorts (gnomAD); In silico analysis supports that this missense variant has a deleterious effect on protein structure/function; This variant is associated with the following publications: (PMID: 26707537, 20301481)

Blueprint Genetics
Classification: Likely pathogenic for COL7A1-related disorders. Last evaluated: 2024-07-16. Review status: criteria provided, single submitter. Criteria: ACMG Guidelines, 2015. Collection method: clinical testing. Allele origin: germline. Affected: yes. Observed: 1 variant allele.